The following is an entry in ClinVar:

NM_152296.5(ATP1A3):c.1843A>G (p.Lys615Glu)

Gene: ATP1A3 (ATPase Na+/K+ transporting subunit alpha 3; minus strand). Cytogenetic location: 19q13.2.
Variant type: single nucleotide variant.
Coding change: c.1843A>G on transcript NM_152296.5 (MANE Select); coding-DNA position 1843, A replaced by G.
Protein change: p.Lys615Glu; replaces lysine 615 with glutamic acid.
Molecular consequence: missense variant.
Genome position (GRCh38, 1-based): chr19:41,978,036, T>C on the plus strand (A>G on the coding strand, the complement: ATP1A3 is on the minus strand). VCF-style: chr19-41978036-T-C. GRCh37 (hg19) VCF-style: chr19-42482188-T-C.
Other names: c.1876A>G, p.Lys626Glu (NM_001256213.2); c.1882A>G, p.Lys628Glu (NM_001256214.2); short protein forms K628E, K615E, K626E.
Identifiers: ClinVar variation 2867175 (VCV002867175.3), dbSNP rs2514054133, ClinGen allele CA406045163.

ClinVar aggregate classification (germline): Uncertain significance (1 of 4 stars; one submission).

Conditions:
Dystonia 12 (DYT12). Also called: Rapid-Onset Dystonia-Parkinsonism (RDP); DYT-ATP1A3. Identifiers: Orphanet 71517, MedGen C1868681, MONDO:0007496, OMIM 128235.

Submission:

Labcorp Genetics (formerly Invitae), Labcorp
Classification: Uncertain significance for Dystonia 12. Last evaluated: 2023-05-22. Review status: criteria provided, single submitter. Criteria: Invitae Variant Classification Sherloc (09022015). Collection method: clinical testing. Allele origin: germline.
Comment: This sequence change replaces lysine, which is basic and polar, with glutamic acid, which is acidic and polar, at codon 615 of the ATP1A3 protein (p.Lys615Glu). This variant is not present in population databases (gnomAD no frequency). This variant has not been reported in the literature in individuals affected with ATP1A3-related conditions. Advanced modeling of protein sequence and biophysical properties (such as structural, functional, and spatial information, amino acid conservation, physicochemical variation, residue mobility, and thermodynamic stability) performed at Invitae indicates that this missense variant is expected to disrupt ATP1A3 protein function. In summary, the available evidence is currently insufficient to determine the role of this variant in disease. Therefore, it has been classified as a Variant of Uncertain Significance.